The following is an entry in ClinVar:

NM_005006.7(NDUFS1):c.154-11_154-8del

Gene: NDUFS1 (NADH:ubiquinone oxidoreductase core subunit S1; minus strand). Cytogenetic location: 2q33.3.
Variant type: Deletion.
Coding change: c.154-11_154-8del on transcript NM_005006.7 (MANE Select); 11 bases into the intron before coding-DNA position 154 through 8 bases into the intron before coding-DNA position 154, 4 bases deleted (TTTA; older notation c.154-11_154-8delTTTA).
Molecular consequence: intron variant.
Genome position (GRCh38, 1-based): chr2:206,149,933-206,149,936, TAAA deleted on the plus strand (TTTA on the coding strand, the reverse complement: NDUFS1 is on the minus strand). VCF-style (leftmost placement, unchanged base first): chr2-206149932-GTAAA-G. GRCh37 (hg19) VCF-style: chr2-207014656-GTAAA-G.
Other names: c.6-2102_6-2099del (NM_001199982.2); c.-18-11_-18-8del (NM_001199983.2); c.154-840_154-837del (NM_001199981.2); c.196-11_196-8del (NM_001199984.2).
Identifiers: ClinVar variation 4978249 (VCV004978249.1).

ClinVar aggregate classification (germline): Likely benign (1 of 4 stars; one submission).

Conditions:
NDUFS1-related disorder. Also called: NDUFS1-related condition.

Submission:

PreventionGenetics, part of Exact Sciences
Classification: Likely benign for NDUFS1-related condition. Last evaluated: 2025-04-15. Review status: criteria provided, single submitter. Criteria: ACMG Guidelines, 2015. Collection method: clinical testing. Allele origin: germline.
Comment: This variant is classified as likely benign based on ACMG/AMP sequence variant interpretation guidelines (Richards et al. 2015 PMID: 25741868, with internal and published modifications).